The following is an entry in ClinVar:

ClinVar aggregate classification (germline): Benign/Likely benign. Review status: criteria provided, multiple submitters, no conflicts (2 of 4 stars). 6 submissions from 6 submitters: Benign (5); Likely benign (1). Last evaluated 2026-08-01.

Conditions:
Severe intellectual disability-progressive spastic diplegia syndrome (NEDSDV). Also called: NEURODEVELOPMENTAL DISORDER WITH SPASTIC DIPLEGIA AND VISUAL DEFECTS; CTNNB1 Neurodevelopmental Disorder. Identifiers: Orphanet 404473, MedGen C3554449, MONDO:0014035, OMIM 615075.
Exudative vitreoretinopathy 7. Identifiers: MedGen C4539767, MONDO:0033123, OMIM 617572.
Hepatocellular carcinoma (HCC). Also called: Primary carcinoma of liver; HEPATOMA; LIVER CELL CARCINOMA. Identifiers: Orphanet 88673, MedGen C2239176, MONDO:0007256, OMIM 114550, HP:0001402.
Medulloblastoma (MDB). Also called: Medulloblastoma, somatic; MEDULLOBLASTOMA PREDISPOSITION SYNDROME. Identifiers: Orphanet 616, MedGen C0025149, MeSH D008527, MONDO:0007959, OMIM 155255, HP:0002885.
Ovarian neoplasm. Also called: Neoplasm of ovary; Ovarian tumor; Ovarian Neoplasms. Identifiers: MedGen C0919267, MeSH D010051, MONDO:0021068, HP:0100615.
Pilomatrixoma (PTR). Also called: EPITHELIOMA CALCIFICANS OF MALHERBE; PILOMATRICOMA; Pilomatricoma, somatic. Identifiers: Orphanet 91414, MedGen C0206711, MeSH D018296, MONDO:0007564, OMIM 132600, HP:0030434.
Colorectal cancer. Also called: Colorectal cancer, somatic; Malignant Colorectal Neoplasm. Identifiers: MedGen C0346629, MONDO:0005575, OMIM 114500.

Allele frequency attached by ClinVar (database versions not stated): 1000 Genomes Project 30x 0.00141; 1000 Genomes Project 0.00160; TOPMed 0.00339; ExAC 0.00362; gnomAD 0.00374 and 0.00390; gnomAD exomes 0.00382 and 0.00529; ESP Exome Variant Server 0.00484.
gnomAD v4.1: 8,283 of 1,614,094 alleles (0.51%); highest among the groups gnomAD compares: Non-Finnish European, 0.6%; 23 homozygotes.

Submissions (6):

CeGaT Center for Human Genetics Tuebingen
Classification: Benign. Last evaluated: 2026-08-01. Review status: criteria provided, single submitter. Criteria: CeGaT Center For Human Genetics Tuebingen Variant Classification Criteria Version 2. Collection method: clinical testing. Allele origin: germline. Affected: yes. Observed: 32 variant alleles.
Comment: CTNNB1: BP4, BP7, BS1, BS2

Labcorp Genetics (formerly Invitae), Labcorp
Classification: Benign. Last evaluated: 2026-02-03. Review status: criteria provided, single submitter. Criteria: Invitae Variant Classification Sherloc (09022015). Collection method: clinical testing. Allele origin: germline.

Fulgent Genetics
Classification: Likely benign for Colorectal cancer; Hepatocellular carcinoma; Pilomatrixoma; Medulloblastoma; Ovarian cancer; Severe intellectual disability-progressive spastic diplegia syndrome; Exudative vitreoretinopathy 7. Last evaluated: 2021-10-26. Review status: criteria provided, single submitter. Criteria: ACMG Guidelines, 2015. Collection method: clinical testing. Allele origin: unknown.

GeneDx
Classification: Benign. Last evaluated: 2018-09-07. Review status: criteria provided, single submitter. Criteria: GeneDx Variant Classification Process June 2021. Collection method: clinical testing. Allele origin: germline. Affected: yes.

Genetic Services Laboratory, University of Chicago
Classification: Benign. Last evaluated: 2015-11-10. Review status: criteria provided, single submitter. Criteria: ACMG Guidelines, 2015. Collection method: clinical testing. Allele origin: germline. Affected: no.

Breakthrough Genomics
Classification: Benign. Review status: criteria provided, single submitter. Criteria: ACMG Guidelines, 2015. Collection method: not provided. Allele origin: germline. Inheritance: Autosomal dominant inheritance. Affected: yes.

NM_001904.4(CTNNB1):c.2320C>T (p.Leu774=)

Gene: CTNNB1 (catenin beta 1; plus strand). Cytogenetic location: 3p22.1.
Variant type: single nucleotide variant.
Coding change: c.2320C>T on transcript NM_001904.4 (MANE Select); coding-DNA position 2320, C replaced by T.
Protein change: p.Leu774=; no amino-acid change (leucine 774 retained).
Molecular consequence: synonymous variant.
Genome position (GRCh38, 1-based): chr3:41,239,316, C>T. VCF-style: chr3-41239316-C-T. GRCh37 (hg19) VCF-style: chr3-41280807-C-T.
Other names: c.2320C>T, p.Leu774= (NM_001098209.2, NM_001098210.2); c.2299C>T, p.Leu767= (NM_001330729.2).
Identifiers: ClinVar variation 210805 (VCV000210805.50), dbSNP rs4135386, ClinGen allele CA206841.
Genomic context (GRCh38, chr3:41,239,316, plus strand): 5'-CCAGATCTGGGGCATGCCCAGGACCTCATGGATGGGCTGCCTCCAGGTGACAGCAATCAG[C>T]TGGCCTGGTTTGATACTGACCTGTAAATCATCCTTTAGGTAAGAAGTTTTAAAAAGCCAG-3'
Protein context (NP_001895.1, residues 764-781): DGLPPGDSNQ[Leu774=]AWFDTDL